The following is an entry in ClinVar:

ClinVar aggregate classification (germline): Uncertain significance. Review status: criteria provided, multiple submitters, no conflicts (2 of 4 stars). 3 submissions from 3 submitters: Uncertain significance (3). Last evaluated 2026-01-17.

Conditions:
Pitt-Hopkins-like syndrome 2 (PTHSL2). Identifiers: Orphanet 221150, Orphanet 600663, MedGen C3280479, MONDO:0013690, OMIM 614325.

Allele frequency attached by ClinVar (database versions not stated): ExAC 0.00001; gnomAD 0.00001; gnomAD exomes 0.00001 and 0.00002; TOPMed 0.00001.
gnomAD v4.1: 6 of 1,614,076 alleles (0.00037%); highest among the groups gnomAD compares: South Asian, 0.0011%; no homozygotes.

Submissions (3):

Labcorp Genetics (formerly Invitae), Labcorp
Classification: Uncertain significance for Pitt-Hopkins-like syndrome 2. Last evaluated: 2026-01-17. Review status: criteria provided, single submitter. Criteria: Invitae Variant Classification Sherloc (09022015). Collection method: clinical testing. Allele origin: germline.
Comment: This sequence change replaces isoleucine, which is neutral and non-polar, with valine, which is neutral and non-polar, at codon 1246 of the NRXN1 protein (p.Ile1246Val). This variant is present in population databases (rs751778015, gnomAD 0.004%). This variant has not been reported in the literature in individuals affected with NRXN1-related conditions. ClinVar contains an entry for this variant (Variation ID: 211691). Invitae Evidence Modeling of protein sequence and biophysical properties (such as structural, functional, and spatial information, amino acid conservation, physicochemical variation, residue mobility, and thermodynamic stability) indicates that this missense variant is not expected to disrupt NRXN1 protein function with a negative predictive value of 80%. In summary, the available evidence is currently insufficient to determine the role of this variant in disease. Therefore, it has been classified as a Variant of Uncertain Significance.

GeneDx
Classification: Uncertain significance. Last evaluated: 2018-04-09. Review status: criteria provided, single submitter. Criteria: GeneDx Variant Classification (06012015). Collection method: clinical testing. Allele origin: germline. Affected: yes.
Comment: A variant of uncertain significance has been identified in the NRXN1 gene. The I1246V variant has not been published as a pathogenic variant, nor has it been reported as a benign variant to our knowledge. It was not observed in approximately 6,500 individuals of European and African American ancestry in an external variant database, indicating it is not a common benign variant in these populations. The I1246V variant is a conservative amino acid substitution, which is not likely to impact secondary protein structure as these residues share similar properties. This substitution occurs at a position where amino acids with similar properties to Isoleucine are tolerated across species. In silico analysis predicts this variant likely does not alter the protein structure/function. Based on the currently available information, it is unclear whether this variant is a pathogenic variant or a rare benign variant.

Genetic Services Laboratory, University of Chicago
Classification: Uncertain significance. Last evaluated: 2014-09-10. Review status: criteria provided, single submitter. Criteria: ACMG Guidelines, 2015. Collection method: clinical testing. Allele origin: germline.

NM_001330078.2(NRXN1):c.3616A>G (p.Ile1206Val)

Gene: NRXN1 (neurexin 1; minus strand). Cytogenetic location: 2p16.3.
Variant type: single nucleotide variant.
Coding change: c.3616A>G on transcript NM_001330078.2 (MANE Select); coding-DNA position 3616, A replaced by G.
Protein change: p.Ile1206Val; replaces isoleucine 1206 with valine.
Molecular consequence: missense variant.
Genome position (GRCh38, 1-based): chr2:50,091,425, T>C on the plus strand (A>G on the coding strand, the complement: NRXN1 is on the minus strand). VCF-style: chr2-50091425-T-C. GRCh37 (hg19) VCF-style: chr2-50318563-T-C.
Other names: c.3736A>G, p.Ile1246Val (NM_001135659.3); c.3592A>G, p.Ile1198Val (NM_001330077.2, NM_001330082.2); c.3550A>G, p.Ile1184Val (NM_001330083.2, NM_001330084.2); c.3589A>G, p.Ile1197Val (NM_001330085.2); c.3616A>G, p.Ile1206Val (NM_001330086.2, NM_004801.6); c.3505A>G, p.Ile1169Val (NM_001330087.2, NM_001330096.2); c.3535A>G, p.Ile1179Val (NM_001330088.2); c.511A>G, p.Ile171Val (NM_001330091.2, NM_001330092.2, NM_001330097.2 and 1 more transcripts); and 3 more; short protein forms I1246V, I1202V, I1179V, I1184V, I1198V, I1205V, I1206V, I171V.
Identifiers: ClinVar variation 211691 (VCV000211691.11), dbSNP rs751778015, ClinGen allele CA207108.